The following is an entry in ClinVar:

NM_000093.5(COL5A1):c.2593-15T>C

Gene: COL5A1 (collagen type V alpha 1 chain; plus strand). Cytogenetic location: 9q34.3.
Variant type: single nucleotide variant.
Coding change: c.2593-15T>C on transcript NM_000093.5 (MANE Select); 15 bases into the intron before coding-DNA position 2593, T replaced by C.
Molecular consequence: intron variant.
Genome position (GRCh38, 1-based): chr9:134,785,980, T>C. VCF-style: chr9-134785980-T-C. GRCh37 (hg19) VCF-style: chr9-137677826-T-C.
Other names: c.2593-15T>C (NM_001278074.1).
Identifiers: ClinVar variation 255065 (VCV000255065.12), dbSNP rs747677530, ClinGen allele CA5319474.

ClinVar aggregate classification (germline): Benign/Likely benign. Review status: criteria provided, multiple submitters, no conflicts (2 of 4 stars). 6 submissions from 5 submitters: Benign (3); Likely benign (3). Last evaluated 2026-01-19.

Conditions:
Fibromuscular dysplasia, multifocal. Identifiers: MedGen C5543412, MONDO:0859151, OMIM 619329.
Ehlers-Danlos syndrome, classic type, 1 (EDSCL1). Also called: Ehlers-Danlos Syndrome, Classic Type, COL5A1-Related; EHLERS-DANLOS SYNDROME, GRAVIS TYPE; EHLERS-DANLOS SYNDROME, SEVERE CLASSIC TYPE; Ehlers-Danlos syndrome, type 1; EDS I. Identifiers: MedGen C0268335, MONDO:0019567, OMIM 130000.

Allele frequency attached by ClinVar (database versions not stated): ExAC 0.00004; gnomAD exomes 0.00004; TOPMed 0.00004; gnomAD 0.00005.
gnomAD v4.1: 59 of 1,611,766 alleles (0.0037%); highest among the groups gnomAD compares: Non-Finnish European, 0.0049%; no homozygotes.

Submissions (6):

Labcorp Genetics (formerly Invitae), Labcorp
Classification: Likely benign for Ehlers-Danlos syndrome, classic type, 1. Last evaluated: 2026-01-19. Review status: criteria provided, single submitter. Criteria: Invitae Variant Classification Sherloc (09022015). Collection method: clinical testing. Allele origin: germline.

Blueprint Genetics
Classification: Likely benign. Last evaluated: 2024-11-22. Review status: criteria provided, single submitter. Criteria: ACMG Guidelines, 2015. Collection method: clinical testing. Allele origin: germline.

Genome-Nilou Lab
Classification: Benign for Ehlers-Danlos syndrome, classic type, 1. Last evaluated: 2022-03-15. Review status: criteria provided, single submitter. Criteria: ACMG Guidelines, 2015. Collection method: clinical testing. Allele origin: germline. Affected: no.

Genome-Nilou Lab
Classification: Benign for Fibromuscular dysplasia, multifocal. Last evaluated: 2022-03-15. Review status: criteria provided, single submitter. Criteria: ACMG Guidelines, 2015. Collection method: clinical testing. Allele origin: germline. Affected: no.

GeneDx
Classification: Likely benign. Last evaluated: 2017-10-25. Review status: criteria provided, single submitter. Criteria: GeneDx Variant Classification (06012015). Collection method: clinical testing. Allele origin: germline. Affected: yes.
Comment: This variant is considered likely benign or benign based on one or more of the following criteria: it is a conservative change, it occurs at a poorly conserved position in the protein, it is predicted to be benign by multiple in silico algorithms, and/or has population frequency not consistent with disease.

PreventionGenetics, part of Exact Sciences
Classification: Benign. Review status: criteria provided, single submitter. Criteria: ACMG Guidelines, 2015. Collection method: clinical testing. Allele origin: germline.